The following is an entry in ClinVar:

ClinVar aggregate classification (germline): Uncertain significance (1 of 4 stars; one submission).

Submission:

Mayo Clinic Laboratories, Mayo Clinic
Classification: Uncertain significance. Last evaluated: 2025-08-26. Review status: criteria provided, single submitter. Criteria: ACMG Guidelines, 2015. Collection method: clinical testing. Allele origin: germline. Observed: 1 variant allele.
Comment: PP3_moderate, PP4, PM2_supporting

NM_000374.5(UROD):c.196T>G (p.Cys66Gly)

Gene: UROD (uroporphyrinogen decarboxylase; plus strand). Cytogenetic location: 1p34.1.
Variant type: single nucleotide variant.
Coding change: c.196T>G on transcript NM_000374.5 (MANE Select); coding-DNA position 196, T replaced by G.
Protein change: p.Cys66Gly; replaces cysteine 66 with glycine.
Molecular consequence: missense variant. On other transcripts: non-coding transcript variant (3).
Genome position (GRCh38, 1-based): chr1:45,013,198, T>G. VCF-style: chr1-45013198-T-G. GRCh37 (hg19) VCF-style: chr1-45478870-T-G.
Other names: p.Cys66Gly; short protein forms C66G.
Identifiers: ClinVar variation 4541066 (VCV004541066.1).